The following is an entry in ClinVar:

NM_032447.5(FBN3):c.7744G>A (p.Ala2582Thr)

Gene: FBN3 (fibrillin 3; minus strand). Cytogenetic location: 19p13.2.
Variant type: single nucleotide variant.
Coding change: c.7744G>A on transcript NM_032447.5 (MANE Select); coding-DNA position 7744, G replaced by A.
Protein change: p.Ala2582Thr; replaces alanine 2582 with threonine.
Molecular consequence: missense variant.
Genome position (GRCh38, 1-based): chr19:8,073,256, C>T on the plus strand (G>A on the coding strand, the complement: FBN3 is on the minus strand). VCF-style: chr19-8073256-C-T. GRCh37 (hg19) VCF-style: chr19-8138140-C-T.
Other names: c.7744G>A, p.Ala2582Thr (NM_001321431.2); short protein forms A2582T.
Identifiers: ClinVar variation 3029104 (VCV003029104.2), dbSNP rs564634841, ClinGen allele CA9150749.
Genomic context (GRCh38, chr19:8,073,256, plus strand): 5'-CAAAGTCAAAGCCAGAGGGGCAGACGCAGCGGAAGCCACCAAGAGTGTTGCGACAGGAGG[C>T]GCTCCCGCAGGTGGGGGGCGACAGGGCACACTCATTCTCATCTGTGGGAGGAAAGGAGGA-3'
Protein context (NP_115823.3, residues 2572-2592): CALSPPTCGS[Ala2582Thr]SCRNTLGGFR

ClinVar aggregate classification (germline): Likely benign (0 of 4 stars; one submission).

Conditions:
FBN3-related disorder. Also called: FBN3-related condition.

gnomAD v4.1: 44 of 1,613,834 alleles (0.0027%); highest among the groups gnomAD compares: East Asian, 0.076%; no homozygotes.

Submission:

PreventionGenetics, part of Exact Sciences
Classification: Likely benign for FBN3-related condition. Last evaluated: 2022-03-16. Review status: no assertion criteria provided. Collection method: clinical testing. Allele origin: germline.
Comment: This variant is classified as likely benign based on ACMG/AMP sequence variant interpretation guidelines (Richards et al. 2015 PMID: 25741868, with internal and published modifications).